The following is an entry in ClinVar:

ClinVar aggregate classification (germline): Uncertain significance. Review status: criteria provided, multiple submitters, no conflicts (2 of 4 stars). 2 submissions from 2 submitters: Uncertain significance (2). Last evaluated 2025-09-19.

Conditions:
Hereditary cancer-predisposing syndrome. Also called: Hereditary neoplastic syndrome; Neoplastic Syndromes, Hereditary; Tumor predisposition; Hereditary Cancer Syndrome. Identifiers: Orphanet 140162, MedGen C0027672, MeSH D009386, MONDO:0015356.
Bloom syndrome (BLM). Also called: Bloom-Torre-Machacek syndrome. Identifiers: Orphanet 125, MedGen C0005859, MONDO:0008876, OMIM 210900.

Allele frequency attached by ClinVar (database versions not stated): TOPMed below 0.00001.

Submissions (2):

Ambry Genetics
Classification: Uncertain significance for Hereditary cancer-predisposing syndrome. Last evaluated: 2025-09-19. Review status: criteria provided, single submitter. Criteria: Ambry Variant Classification Scheme 2023. Collection method: clinical testing. Allele origin: germline.
Comment: The p.K531N variant (also known as c.1593A>T), located in coding exon 6 of the BLM gene, results from an A to T substitution at nucleotide position 1593. The lysine at codon 531 is replaced by asparagine, an amino acid with similar properties. This amino acid position is well conserved in available vertebrate species. In addition, this alteration is predicted to be tolerated by in silico analysis. Since supporting evidence is limited at this time, the clinical significance of this alteration remains unclear.

Labcorp Genetics (formerly Invitae), Labcorp
Classification: Uncertain significance for Bloom syndrome. Last evaluated: 2020-08-27. Review status: criteria provided, single submitter. Criteria: Invitae Variant Classification Sherloc (09022015). Collection method: clinical testing. Allele origin: germline.
Comment: This variant is not present in population databases (ExAC no frequency). This variant has not been reported in the literature in individuals with BLM-related conditions. Algorithms developed to predict the effect of missense changes on protein structure and function are either unavailable or do not agree on the potential impact of this missense change (SIFT: "Tolerated"; PolyPhen-2: "Possibly Damaging"; Align-GVGD: "Class C0"). In summary, the available evidence is currently insufficient to determine the role of this variant in disease. Therefore, it has been classified as a Variant of Uncertain Significance. This sequence change replaces lysine with asparagine at codon 531 of the BLM protein (p.Lys531Asn). The lysine residue is weakly conserved and there is a moderate physicochemical difference between lysine and asparagine.

NM_000057.4(BLM):c.1593A>T (p.Lys531Asn)

Gene: BLM (BLM RecQ like helicase; plus strand). Cytogenetic location: 15q26.1.
Variant type: single nucleotide variant.
Coding change: c.1593A>T on transcript NM_000057.4 (MANE Select); coding-DNA position 1593, A replaced by T.
Protein change: p.Lys531Asn; replaces lysine 531 with asparagine.
Molecular consequence: missense variant.
Genome position (GRCh38, 1-based): chr15:90,760,966, A>T. VCF-style: chr15-90760966-A-T. GRCh37 (hg19) VCF-style: chr15-91304196-A-T.
Other names: c.1593A>T, p.Lys531Asn (NM_001287246.2, NM_001287247.2); c.468A>T, p.Lys156Asn (NM_001287248.2); short protein forms K156N, K531N.
Identifiers: ClinVar variation 1004044 (VCV001004044.12), dbSNP rs1239709333, ClinGen allele CA393843399.
Genomic context (GRCh38, chr15:90,760,966, plus strand): 5'-AGGAAAAAAAAATGAAAGCTCTTATTTCCCAGGAAATGTTCTCACAAGCACTGCTGTGAA[A>T]GATCAGAATAAACATACTGCTTCAATAAATGACTTAGAAAGAGAAACCCAACCTTCCTAT-3'
Protein context (NP_000048.1, residues 521-541): PGNVLTSTAV[Lys531Asn]DQNKHTASIN